The following is an entry in ClinVar:

NM_005559.4(LAMA1):c.8557-1G>C

Gene: LAMA1 (laminin subunit alpha 1; minus strand). Cytogenetic location: 18p11.31.
Variant type: single nucleotide variant.
Coding change: c.8557-1G>C on transcript NM_005559.4 (MANE Select); the canonical splice acceptor site of the intron before coding-DNA position 8557, G replaced by C.
Molecular consequence: splice acceptor variant.
Genome position (GRCh38, 1-based): chr18:6,948,557, C>G on the plus strand (G>C on the coding strand, the complement: LAMA1 is on the minus strand). VCF-style: chr18-6948557-C-G. GRCh37 (hg19) VCF-style: chr18-6948556-C-G.
Identifiers: ClinVar variation 209988 (VCV000209988.3), dbSNP rs797045183, ClinGen allele CA205003.

ClinVar aggregate classification (germline): Uncertain significance (1 of 4 stars; one submission).

Conditions:
Ataxia - intellectual disability - oculomotor apraxia - cerebellar cysts syndrome. Also called: Poretti-Boltshauser syndrome. Identifiers: Orphanet 370022, MedGen C4014821, MONDO:0014419, OMIM 615960.

Allele frequency attached by ClinVar (database versions not stated): gnomAD exomes below 0.00001.
gnomAD v4.1: 3 of 1,614,190 alleles (0.00019%); highest among the groups gnomAD compares: Non-Finnish European, 0.00025%; no homozygotes.

Submission:

Dobyns Lab, Seattle Children's Research Institute
Classification: Uncertain significance for Poretti-boltshauser syndrome. Last evaluated: 2014-11-25. Review status: criteria provided, single submitter. Criteria: Submitter's publication. Collection method: research. Allele origin: germline. Affected: yes.